The following is an entry in ClinVar:

ClinVar aggregate classification (germline): Uncertain significance (1 of 4 stars; one submission).

Conditions:
Glycogen storage disease, type II (IOPD). Also called: Pompe Disease; CARDIOMEGALIA GLYCOGENICA DIFFUSA; GLYCOGENOSIS, GENERALIZED, CARDIAC FORM; GSD II; POMPE DISEASE, INFANTILE-ONSET; GLYCOGEN STORAGE DISEASE II, INFANTILE-ONSET. Identifiers: Orphanet 365, MedGen C0017921, MONDO:0009290, OMIM 232300.

gnomAD v4.1: 1 of 1,610,148 alleles (0.000062%); highest among the groups gnomAD compares: Non-Finnish European, 0.000085%; no homozygotes.

Submission:

Genomenon, Inc
Classification: Uncertain significance for Glycogen storage disease, type II. Last evaluated: 2026-07-01. Review status: criteria provided, single submitter. Criteria: Genomenon Sequence Variant Interpretation Standards - Updated. Collection method: curation. Allele origin: germline. Affected: yes.
Comment: GAA p.Asn675Ser (c.2024A>G) is a missense variant that changes the amino acid at codon 675 from Asparagine to Serine. This variant has been observed in at least one proband with a GAA-related disorder (PMID:28394184). It is absent or not present at a significant frequency in gnomAD. In silico models predict that this variant is possibly or probably damaging. In conclusion, we classify GAA p.Asn675Ser (c.2024A>G) as a variant of uncertain significance.

Literature cited by the submitters: PubMed 28394184.

NM_000152.5(GAA):c.2024A>G (p.Asn675Ser)

Gene: GAA (alpha glucosidase; plus strand). Cytogenetic location: 17q25.3.
Variant type: single nucleotide variant.
Coding change: c.2024A>G on transcript NM_000152.5 (MANE Select); coding-DNA position 2024, A replaced by G.
Protein change: p.Asn675Ser; replaces asparagine 675 with serine.
Molecular consequence: missense variant.
Genome position (GRCh38, 1-based): chr17:80,113,011, A>G. VCF-style: chr17-80113011-A-G. GRCh37 (hg19) VCF-style: chr17-78086810-A-G.
Other names: c.2024A>G, p.Asn675Ser (NM_001079803.3, NM_001079804.3, NM_001406741.1 and 1 more transcripts); short protein forms N675S.
Identifiers: ClinVar variation 4876625 (VCV004876625.1).
Genomic context (GRCh38, chr17:80,113,011, plus strand): 5'-AGGAGCTGTGTGTGCGCTGGACCCAGCTGGGGGCCTTCTACCCCTTCATGCGGAACCACA[A>G]CAGCCTGCTCAGTCTGGTAGGGTGGGGGTGGCGGCATGGCAGGTGGGCGATCCCACCCAC-3'
Protein context (NP_000143.2, residues 665-685): GAFYPFMRNH[Asn675Ser]SLLSLPQEPY